The following is an entry in ClinVar:

NM_001372.4(DNAH9):c.4193del (p.Thr1398fs)

Gene: DNAH9 (dynein axonemal heavy chain 9; plus strand). Cytogenetic location: 17p12.
Variant type: Deletion.
Coding change: c.4193del on transcript NM_001372.4 (MANE Select); coding-DNA position 4193, one base deleted (C; older notation c.4193delC).
Protein change: p.Thr1398fs; shifts the reading frame from threonine 1398.
Molecular consequence: frameshift variant.
Genome position (GRCh38, 1-based): chr17:11,690,015, C deleted. VCF-style (leftmost placement, unchanged base first): chr17-11690014-AC-A. GRCh37 (hg19) VCF-style: chr17-11593331-AC-A.
Other names: short protein forms T1398fs.
Identifiers: ClinVar variation 1363635 (VCV001363635.6), dbSNP rs757050909, ClinGen allele CA8395617.

ClinVar aggregate classification (germline): Pathogenic (1 of 4 stars; one submission).

Allele frequency attached by ClinVar (database versions not stated): gnomAD exomes below 0.00001; ExAC 0.00001.

Submission:

Labcorp Genetics (formerly Invitae), Labcorp
Classification: Pathogenic. Last evaluated: 2026-01-27. Review status: criteria provided, single submitter. Criteria: Invitae Variant Classification Sherloc (09022015). Collection method: clinical testing. Allele origin: germline.
Comment: This sequence change creates a premature translational stop signal (p.Thr1398Ilefs*8) in the DNAH9 gene. It is expected to result in an absent or disrupted protein product. Loss-of-function variants in DNAH9 are known to be pathogenic (PMID: 30471718). This variant is present in population databases (rs757050909, gnomAD 0.003%). This variant has not been reported in the literature in individuals affected with DNAH9-related conditions. ClinVar contains an entry for this variant (Variation ID: 1363635). For these reasons, this variant has been classified as Pathogenic.

Literature cited by the submitters: PubMed 30471718.